The following is an entry in ClinVar:

NM_001754.5(RUNX1):c.*2366G>A

Gene: RUNX1 (RUNX family transcription factor 1; minus strand). Cytogenetic location: 21q22.12.
Variant type: single nucleotide variant.
Coding change: c.*2366G>A on transcript NM_001754.5 (MANE Select); 2366 bases downstream of the stop codon, G replaced by A.
Molecular consequence: 3 prime UTR variant.
Genome position (GRCh38, 1-based): chr21:34,789,769, C>T on the plus strand (G>A on the coding strand, the complement: RUNX1 is on the minus strand). VCF-style: chr21-34789769-C-T. GRCh37 (hg19) VCF-style: chr21-36162066-C-T.
Other names: c.*2366G>A (NM_001001890.3).
Identifiers: ClinVar variation 339832 (VCV000339832.6), dbSNP rs886057039, ClinGen allele CA10650417.
Genomic context (GRCh38, chr21:34,789,769, plus strand): 5'-TCTGTGAAACTCTAAATGACCAATCCAGTGAGCCTACAATAGTGACAAGCCCCCTCCACA[C>T]ATGGCTTTGAGAGTAAAGGTTCAATGTAAAAGATTATCTAATCAGAGCATGAGGCTGGTT-3'

ClinVar aggregate classification (germline): Likely benign. Review status: reviewed by expert panel (3 of 4 stars). 2 submissions from 2 submitters: Likely benign (1). 1 of the submissions does not count toward it. Last evaluated 2025-01-15.

Conditions:
Hereditary thrombocytopenia and hematologic cancer predisposition syndrome. Identifiers: Orphanet 71290, MedGen CN281654, MONDO:0011071.
Hereditary thrombocytopenia and hematological cancer predisposition syndrome associated with RUNX1. Also called: PLATELET DISORDER, ASPIRIN-LIKE; RUNX1 Familial Platelet Disorder with Associated Myeloid Malignancies; Familial Platelet Disorder with Propensity to Acute Myelogenous Leukemia; Familial thrombocytopenia with propensity to acute myelogenous leukemia. Identifiers: Orphanet 71290, MedGen C1832388, MeSH C563324, MONDO:0100083, OMIM 601399.

Allele frequency attached by ClinVar (database versions not stated): TOPMed 0.00005; gnomAD 0.00006; gnomAD exomes 0.00016.
gnomAD v4.1: 21 of 233,170 alleles (0.009%); highest among the groups gnomAD compares: Non-Finnish European, 0.017%; no homozygotes.

Submissions (2):

ClinGen Myeloid Malignancy Variant Curation Expert Panel
Classification: Likely benign for Hereditary thrombocytopenia and hematologic cancer predisposition syndrome. Last evaluated: 2025-01-15. Review status: reviewed by expert panel. Criteria: ClinGen MyeloMalig ACMG Specifications v2. Collection method: curation. Allele origin: germline. Inheritance: Autosomal dominant inheritance.
Comment: NM_001754.5(RUNX1):c.*2366G>A is a 3' UTR variant which has a MAF of 0.0001176 (0.01176%, 8/68044, 8 alleles) in the European (non-finnish) subpopulation of the gnomAD v3.1.2 cohort is between 0.00015 (0.015%) and 0.0015 (0.15%) (BS1). In summary, this variant meets criteria to be classified as likely benign. ACMG/AMP criteria applied, as specified by the Myeloid Malignancy Variant Curation Expert Panel for RUNX1: BS1.

Illumina Laboratory Services, Illumina
Classification: Uncertain significance for Hereditary thrombocytopenia and hematological cancer predisposition syndrome associated with RUNX1. Last evaluated: 2018-01-12. Review status: criteria provided, single submitter. Criteria: ICSL Variant Classification Criteria 13 December 2019. Collection method: clinical testing. Allele origin: germline. Not counted in ClinVar's aggregate classification.